The following is an entry in ClinVar:

NM_005076.5(CNTN2):c.967G>C (p.Val323Leu)

Gene: CNTN2 (contactin 2; plus strand). Cytogenetic location: 1q32.1.
Variant type: single nucleotide variant.
Coding change: c.967G>C on transcript NM_005076.5 (MANE Select); coding-DNA position 967, G replaced by C.
Protein change: p.Val323Leu; replaces valine 323 with leucine.
Molecular consequence: missense variant. On other transcripts: non-coding transcript variant (1).
Genome position (GRCh38, 1-based): chr1:205,061,414, G>C. VCF-style: chr1-205061414-G-C. GRCh37 (hg19) VCF-style: chr1-205030542-G-C.
Other names: c.967G>C, p.Val323Leu (NM_001346083.2); short protein forms V323L.
Identifiers: ClinVar variation 1715487 (VCV001715487.5), dbSNP rs369483636, ClinGen allele CA344409830.

ClinVar aggregate classification (germline): Uncertain significance (1 of 4 stars; one submission).

Conditions:
Epilepsy, familial adult myoclonic, 5 (EPEO5). Also called: CORTICAL MYOCLONIC TREMOR WITH EPILEPSY, FAMILIAL, 5. Identifiers: Orphanet 86814, MedGen C3809374, MONDO:0014167, OMIM 615400.

Submission:

Labcorp Genetics (formerly Invitae), Labcorp
Classification: Uncertain significance for Epilepsy, familial adult myoclonic, 5. Last evaluated: 2022-12-28. Review status: criteria provided, single submitter. Criteria: Invitae Variant Classification Sherloc (09022015). Collection method: clinical testing. Allele origin: germline.
Comment: In summary, the available evidence is currently insufficient to determine the role of this variant in disease. Therefore, it has been classified as a Variant of Uncertain Significance. Advanced modeling of protein sequence and biophysical properties (such as structural, functional, and spatial information, amino acid conservation, physicochemical variation, residue mobility, and thermodynamic stability) performed at Invitae indicates that this missense variant is not expected to disrupt CNTN2 protein function. ClinVar contains an entry for this variant (Variation ID: 1715487). This variant has not been reported in the literature in individuals affected with CNTN2-related conditions. This variant is not present in population databases (gnomAD no frequency). This sequence change replaces valine, which is neutral and non-polar, with leucine, which is neutral and non-polar, at codon 323 of the CNTN2 protein (p.Val323Leu).